The following is an entry in ClinVar:

ClinVar aggregate classification (germline): Uncertain significance (1 of 4 stars; one submission).

Conditions:
Malignant hyperthermia, susceptibility to, 1 (MHS1). Also called: RYR1-Related Malignant Hyperthermia Susceptibility; Anesthesia related hyperthermia; Malignant hyperpyrexia; Fulminating hyperpyrexia; Pharmacogenic myopathy; Malignant hyperthermia suceptibility 1. Identifiers: Orphanet 423, MedGen C2930980, MONDO:0007783, OMIM 145600.

Submission:

All of Us Research Program, National Institutes of Health
Classification: Uncertain significance for Malignant hyperthermia, susceptibility to, 1. Last evaluated: 2023-03-28. Review status: criteria provided, single submitter. Criteria: ACMG Guidelines, 2015. Collection method: clinical testing. Allele origin: germline. Inheritance: Autosomal dominant inheritance. Observed: 1 variant allele, 1 heterozygote.
Comment: This study involves interpretation of variants in research participants for the purpose of population health screening. Participant phenotype was not available at the time of variant classification. Additional details can be found in publication PMID: 35346344, PMCID: PMC8962531

NM_000540.3(RYR1):c.7399G>C (p.Val2467Leu)

Gene: RYR1 (ryanodine receptor 1; plus strand). Cytogenetic location: 19q13.2.
Variant type: single nucleotide variant.
Coding change: c.7399G>C on transcript NM_000540.3 (MANE Select); coding-DNA position 7399, G replaced by C.
Protein change: p.Val2467Leu; replaces valine 2467 with leucine.
Molecular consequence: missense variant.
Genome position (GRCh38, 1-based): chr19:38,500,681, G>C. VCF-style: chr19-38500681-G-C. GRCh37 (hg19) VCF-style: chr19-38991321-G-C.
Other names: c.7399G>C, p.Val2467Leu (NM_001042723.2); short protein forms V2467L.
Identifiers: ClinVar variation 3069998 (VCV003069998.1), dbSNP rs1489905802, ClinGen allele CA405670117.